The following is an entry in ClinVar:

NM_052947.4(ALPK2):c.4120C>A (p.Gln1374Lys)

Genes: ALPK2 (alpha kinase 2; minus strand), LOC126862764 (BRD4-independent group 4 enhancer GRCh37_chr18:56202574-56203773; plus strand). Cytogenetic location: 18q21.31.
Variant type: single nucleotide variant.
Coding change: c.4120C>A on transcript NM_052947.4 (MANE Select); coding-DNA position 4120, C replaced by A.
Protein change: p.Gln1374Lys; replaces glutamine 1374 with lysine.
Molecular consequence: missense variant.
Genome position (GRCh38, 1-based): chr18:58,536,067, G>T on the plus strand (C>A on the coding strand, the complement: ALPK2 is on the minus strand). VCF-style: chr18-58536067-G-T. GRCh37 (hg19) VCF-style: chr18-56203299-G-T.
Other names: short protein forms Q1374K.
Identifiers: ClinVar variation 2497277 (VCV002497277.2), dbSNP rs758231974, ClinGen allele CA402564219.

ClinVar aggregate classification (germline): Uncertain significance (1 of 4 stars; one submission).

gnomAD v4.1: 8 of 1,614,152 alleles (0.0005%); highest among the groups gnomAD compares: Non-Finnish European, 0.00068%; no homozygotes.

Submission:

Ambry Genetics
Classification: Uncertain significance. Last evaluated: 2022-12-18. Review status: criteria provided, single submitter. Criteria: Ambry Variant Classification Scheme 2023. Collection method: clinical testing. Allele origin: germline.
Comment: The p.Q1374K variant (also known as c.4120C>A), located in coding exon 4 of the ALPK2 gene, results from a C to A substitution at nucleotide position 4120. The glutamine at codon 1374 is replaced by lysine, an amino acid with similar properties. This amino acid position is conserved. In addition, this alteration is predicted to be tolerated by in silico analysis. Since supporting evidence is limited at this time, the clinical significance of this alteration remains unclear.